The following is an entry in ClinVar:

ClinVar aggregate classification (germline): Pathogenic (1 of 4 stars; one submission).

Submission:

Labcorp Genetics (formerly Invitae), Labcorp
Classification: Pathogenic. Last evaluated: 2025-11-25. Review status: criteria provided, single submitter. Criteria: Invitae Variant Classification Sherloc (09022015). Collection method: clinical testing. Allele origin: germline.
Comment: This sequence change creates a premature translational stop signal (p.Asn1265Thrfs*80) in the COL11A2 gene. It is expected to result in an absent or disrupted protein product. Loss-of-function variants in COL11A2 are known to be pathogenic (PMID: 10677296, 21204229). This variant is not present in population databases (gnomAD no frequency). This variant has not been reported in the literature in individuals affected with COL11A2-related conditions. For these reasons, this variant has been classified as Pathogenic.

Literature cited by the submitters: PubMed 10677296; PubMed 21204229.

NM_080680.3(COL11A2):c.3786del (p.Asn1265fs)

Gene: COL11A2 (collagen type XI alpha 2 chain; minus strand). Cytogenetic location: 6p21.32.
Variant type: Deletion.
Coding change: c.3786del on transcript NM_080680.3 (MANE Select); coding-DNA position 3786, one base deleted (C; older notation c.3786delC).
Protein change: p.Asn1265fs; shifts the reading frame from asparagine 1265.
Molecular consequence: frameshift variant.
Genome position (GRCh38, 1-based): chr6:33,169,395, G deleted on the plus strand (C on the coding strand, the reverse complement: COL11A2 is on the minus strand); the first of 4 consecutive G bases (chr6:33,169,395-33,169,398); deleting any one gives the same sequence. VCF-style (leftmost placement, unchanged base first): chr6-33169394-TG-T. GRCh37 (hg19) VCF-style: chr6-33137171-TG-T.
Other names: c.3606del, p.Asn1205fs (NM_001424108.1); c.2940del, p.Asn983fs (NM_001424109.1); c.2760del, p.Asn923fs (NM_001424110.1, NM_001424111.1); c.1740del, p.Asn583fs (NM_001424112.1); c.3465del, p.Asn1158fs (NM_080679.3); c.3528del, p.Asn1179fs (NM_080681.3); short protein forms N583fs, N983fs, N1179fs, N1158fs, N1265fs, N923fs, N1205fs.
Identifiers: ClinVar variation 4715750 (VCV004715750.1).